The following is an entry in ClinVar:

NM_001101.5(ACTB):c.478A>G (p.Thr160Ala)

Gene: ACTB (actin beta; minus strand). Cytogenetic location: 7p22.1.
Variant type: single nucleotide variant.
Coding change: c.478A>G on transcript NM_001101.5 (MANE Select); coding-DNA position 478, A replaced by G.
Protein change: p.Thr160Ala; replaces threonine 160 with alanine.
Molecular consequence: missense variant.
Genome position (GRCh38, 1-based): chr7:5,528,605, T>C on the plus strand (A>G on the coding strand, the complement: ACTB is on the minus strand). VCF-style: chr7-5528605-T-C. GRCh37 (hg19) VCF-style: chr7-5568236-T-C.
Other names: short protein forms T160A.
Identifiers: ClinVar variation 1251980 (VCV001251980.10), dbSNP rs1784814961, ClinGen allele CA366703440.

ClinVar aggregate classification (germline): Likely pathogenic. Review status: criteria provided, multiple submitters, no conflicts (2 of 4 stars). 3 submissions from 3 submitters: Likely pathogenic (2). 1 of the submissions does not count toward it. Last evaluated 2023-02-06.

Conditions:
Baraitser-Winter syndrome 1 (BRWS1). Also called: BARAITSER-WINTER SYNDROME 1, ATYPICAL; Cerebrofrontofacial syndrome; PACHYGYRIA, MENTAL RETARDATION, EPILEPSY, AND CHARACTERISTIC FACIES; MENTAL RETARDATION WITH EPILEPSY AND CHARACTERISTIC FACIES. Identifiers: Orphanet 2649, Orphanet 2995, MedGen C1855722, MONDO:0009470, OMIM 243310.

Allele frequency attached by ClinVar (database versions not stated): gnomAD 0.00001.
gnomAD v4.1: 1 of 1,613,820 alleles (0.000062%); highest among the groups gnomAD compares: Admixed American, 0.0017%; no homozygotes.

Submissions (3):

Labcorp Genetics (formerly Invitae), Labcorp
Classification: Likely pathogenic for Baraitser-Winter syndrome 1. Last evaluated: 2023-02-06. Review status: criteria provided, single submitter. Criteria: Invitae Variant Classification Sherloc (09022015). Collection method: clinical testing. Allele origin: germline.
Comment: In summary, the currently available evidence indicates that the variant is pathogenic, but additional data are needed to prove that conclusively. Therefore, this variant has been classified as Likely Pathogenic. This missense change has been observed in individual(s) with Baraitser-Winter syndrome (PMID: 35401677). In at least one individual the variant was observed to be de novo. This variant is not present in population databases (gnomAD no frequency). ClinVar contains an entry for this variant (Variation ID: 1251980). Advanced modeling of protein sequence and biophysical properties (such as structural, functional, and spatial information, amino acid conservation, physicochemical variation, residue mobility, and thermodynamic stability) performed at Invitae indicates that this missense variant is not expected to disrupt ACTB protein function. This sequence change replaces threonine, which is neutral and polar, with alanine, which is neutral and non-polar, at codon 160 of the ACTB protein (p.Thr160Ala).

Laboratorio de Genetica e Diagnostico Molecular, Hospital Israelita Albert Einstein
Classification: Likely pathogenic for Baraitser-Winter syndrome 1. Last evaluated: 2022-09-16. Review status: criteria provided, single submitter. Criteria: ACMG Guidelines, 2015. Collection method: clinical testing. Allele origin: germline. Affected: yes. Observed: 1 variant allele.
Comment: ACMG classification criteria: PM2 moderated, PM5 moderated, PP2 supporting, PP3 supporting

Research Laboratory of Ophthalmology and Vision Sciences, West China Hospital, Sichuan University
Classification: Pathogenic for Baraitser-Winter syndrome 1. Last evaluated: 2021-04-29. Review status: no assertion criteria provided. Collection method: clinical testing, in vitro. Allele origin: de novo, not applicable. Inheritance: Autosomal dominant inheritance. Affected: yes. Observed: 1 heterozygote. Functional consequence: variation affecting protein function. Not counted in ClinVar's aggregate classification.
Comment: The c.478A>G (p.T160A) variant in ACTB was a de novo heterozygous variant identified in a Chinese family with autosomal dominant Baraitser-Winter syndrome. The variant was reported in dbSNP (rs1784814961) with a frequency of 0.0000 (ALFA) or 0.00007 (gnomAD) in the American population and 0.0000 in Asia. The amino acid site is highly conserved in various animals, and the variant was suggested to be damaging in silico prediction programs. In addition, in vitro cellular functional study suggested the variant affected cytoskeletal organization. Thus, we consider this variant as pathogenic.

Literature cited by the submitters: PubMed 35401677 (cited by Labcorp Genetics (formerly Invitae), Labcorp).